The following is an entry in ClinVar:

NM_000135.4(FANCA):c.830C>G (p.Ala277Gly)

Gene: FANCA (FA complementation group A; minus strand). Cytogenetic location: 16q24.3.
Variant type: single nucleotide variant.
Coding change: c.830C>G on transcript NM_000135.4 (MANE Select); coding-DNA position 830, C replaced by G.
Protein change: p.Ala277Gly; replaces alanine 277 with glycine.
Molecular consequence: missense variant.
Genome position (GRCh38, 1-based): chr16:89,799,229, G>C on the plus strand (C>G on the coding strand, the complement: FANCA is on the minus strand). VCF-style: chr16-89799229-G-C. GRCh37 (hg19) VCF-style: chr16-89865637-G-C.
Other names: c.830C>G, p.Ala277Gly (NM_001018112.3, NM_001286167.3); c.734C>G, p.Ala245Gly (NM_001351830.2); short protein forms A245G, A277G.
Identifiers: ClinVar variation 2315703 (VCV002315703.3), dbSNP rs35880318, ClinGen allele CA286599494.

ClinVar aggregate classification (germline): Uncertain significance (1 of 4 stars; one submission).

Conditions:
Inborn genetic diseases. Identifiers: MedGen C0950123, MeSH D030342.

gnomAD v4.1: 2 of 1,614,034 alleles (0.00012%); highest among the groups gnomAD compares: African/African-American, 0.0013%; no homozygotes.

Submission:

Ambry Genetics
Classification: Uncertain significance for Inborn genetic diseases. Last evaluated: 2024-12-16. Review status: criteria provided, single submitter. Criteria: Ambry Variant Classification Scheme 2023. Collection method: clinical testing. Allele origin: germline.
Comment: The p.A277G variant (also known as c.830C>G), located in coding exon 10 of the FANCA gene, results from a C to G substitution at nucleotide position 830. The alanine at codon 277 is replaced by glycine, an amino acid with similar properties. This amino acid position is conserved. In addition, this alteration is predicted to be tolerated by in silico analysis. Based on the available evidence, the clinical significance of this variant remains unclear.